The following is an entry in ClinVar:

ClinVar aggregate classification (germline): Conflicting classifications of pathogenicity. Review status: criteria provided, conflicting classifications (1 of 4 stars). 7 submissions from 7 submitters: Pathogenic (2); Likely pathogenic (3); Uncertain significance (1). 1 of the submissions does not count toward it. Last evaluated 2025-12-30.

Conditions:
RTEL1-related disorder. Also called: RTEL1-related condition; RTEL1-related disorders.
Dyskeratosis congenita, autosomal recessive 5 (DKCB5). Identifiers: MedGen C3554656, MONDO:0014076, OMIM 615190.
Pulmonary fibrosis and/or bone marrow failure, Telomere-related, 3. Also called: PULMONARY FIBROSIS AND/OR BONE MARROW FAILURE SYNDROME, TELOMERE-RELATED, 3. Identifiers: Orphanet 2032, MedGen C4225346, MONDO:0014613, OMIM 616373.
Dyskeratosis congenita. Identifiers: Orphanet 1775, MedGen C0265965, MONDO:0015780.

Allele frequency attached by ClinVar (database versions not stated): gnomAD exomes below 0.00001; TOPMed below 0.00001.
gnomAD v4.1: 3 of 1,612,172 alleles (0.00019%); highest among the groups gnomAD compares: Non-Finnish European, 0.000085%; no homozygotes.

Submissions (7):

Natera, Inc.
Classification: Likely pathogenic for Dyskeratosis congenita. Last evaluated: 2025-12-30. Review status: criteria provided, single submitter. Criteria: Natera Variant Classification Schema (03/2026). Collection method: clinical testing. Allele origin: germline.
Comment: The c.2964T>G variant in RTEL1 is a missense variant predicted to cause substitution of phenylalanine to leucine at amino acid 988. This variant is rare in the general population with a frequency below the threshold expected for the associated phenotype(s). This variant has been observed in one or more individuals affected with the associated recessive disease, as either homozygous or compound heterozygous with a second variant (PMID: 23453664, 33718801, 36776130). This variant has been observed to segregate in affected family members (PMID: 23453664). Given the available evidence, this variant is classified as Likely Pathogenic.

Labcorp Genetics (formerly Invitae), Labcorp
Classification: Uncertain significance for Dyskeratosis congenita, autosomal recessive 5; Pulmonary fibrosis and/or bone marrow failure, Telomere-related, 3. Last evaluated: 2024-12-24. Review status: criteria provided, single submitter. Criteria: Invitae Variant Classification Sherloc (09022015). Collection method: clinical testing. Allele origin: germline.
Comment: This sequence change replaces phenylalanine, which is neutral and non-polar, with leucine, which is neutral and non-polar, at codon 964 of the RTEL1 protein (p.Phe964Leu). This variant is present in population databases (no rsID available, gnomAD no frequency). This missense change has been observed in individual(s) with clinical features of RTEL-1 related conditions and/or Hoyeraal-Hreidarsson syndrome (PMID: 23453664, 26022962, 28495692, 29296694, 30995915). It has also been observed to segregate with disease in related individuals. This variant is also known as p.Phe988Leu. ClinVar contains an entry for this variant (Variation ID: 553584). An algorithm developed to predict the effect of missense changes on protein structure and function (PolyPhen-2) suggests that this variant is likely to be disruptive. In summary, the available evidence is currently insufficient to determine the role of this variant in disease. Therefore, it has been classified as a Variant of Uncertain Significance.

Fulgent Genetics
Classification: Pathogenic for Dyskeratosis congenita, autosomal recessive 5; Pulmonary fibrosis and/or bone marrow failure, Telomere-related, 3. Last evaluated: 2024-04-22. Review status: criteria provided, single submitter. Criteria: ACMG Guidelines, 2015. Collection method: clinical testing. Allele origin: germline.

Baylor Genetics
Classification: Likely pathogenic for Dyskeratosis congenita, autosomal recessive 5. Last evaluated: 2023-10-23. Review status: criteria provided, single submitter. Criteria: ACMG Guidelines, 2015. Collection method: clinical testing. Allele origin: unknown.

Women's Health and Genetics/Laboratory Corporation of America, LabCorp
Classification: Pathogenic for Dyskeratosis congenita. Last evaluated: 2023-07-27. Review status: criteria provided, single submitter. Criteria: LabCorp Variant Classification Summary - May 2015. Collection method: clinical testing. Allele origin: germline.
Comment: Variant summary: RTEL1 c.2964T>G (p.Phe988Leu) results in a non-conservative amino acid change located in the Regulator of telomere elongation helicase 1 (IPR030845) of the encoded protein sequence. This variant is also known as c.2892T>G (p.Phe964Leu). Three of five in-silico tools predict a benign effect of the variant on protein function. The variant allele was found at a frequency of 4e-06 in 249372 control chromosomes (gnomAD). c.2964T>G has been reported in the literature in individuals affected with Dyskeratosis Congenita (Hoyeraal Hreidarsson Syndrome) with evidence of cosegregation with disease (Walne_2013). The variant was also found in individuals reported to have features of the disease, including aplastic anemia and pulmonary fibrosis (Arias-Salgado_2019, Galvez_2021, Touzot_2016). Another nucleotide alteration (c.2962T>C) resulting in the same misense change has been found in association with interstitial lung disease (HGMD, Kannengiesser_2015). These data indicate that the variant is very likely to be associated with disease. The following publications have been ascertained in the context of this evaluation (PMID: 23453664, 26022962, 33718801, 30995915, 29296694). Two submitters have cited clinical-significance assessments for this variant to ClinVar after 2014, and classified the variant as uncertain significance. Based on the evidence outlined above, the variant was classified as pathogenic.

PreventionGenetics, part of Exact Sciences
Classification: Likely pathogenic for RTEL1-related condition. Last evaluated: 2022-08-30. Review status: criteria provided, single submitter. Criteria: ACMG Guidelines, 2015. Collection method: clinical testing. Allele origin: germline.
Comment: The RTEL1 c.2964T>G variant is predicted to result in the amino acid substitution p.Phe988Leu. This variant was reported in the homozygous state in two siblings with dyskeratosis congenita and one patient with inherited bone marrow failure syndrome (Walne et al 2013. PubMed ID: 23453664; Table S5, Gálvez et al 2021. PubMed ID: 33718801). In the heterozygous state this variant has been reported in two siblings with pulmonary fibrosis (described as p.Phe964Leu, Kannengiesser et al 2015. PubMed ID: 26022962). This variant has not been reported in a large population database, indicating it is rare. This variant is interpreted as likely pathogenic.

Counsyl
Classification: Uncertain significance for Dyskeratosis congenita, autosomal recessive 5. Last evaluated: 2017-08-30. Review status: no assertion criteria provided. Collection method: clinical testing. Allele origin: unknown. Not counted in ClinVar's aggregate classification.

Literature cited by the submitters: PubMed 23453664 (cited by 4 submitters); PubMed 33718801 (cited by Natera, Inc. and Women's Health and Genetics/Laboratory Corporation of America, LabCorp); PubMed 36776130 (cited by Natera, Inc.); PubMed 26022962 (cited by 3 submitters); PubMed 28495692 (cited by Labcorp Genetics (formerly Invitae), Labcorp); PubMed 29296694 (cited by Labcorp Genetics (formerly Invitae), Labcorp and Women's Health and Genetics/Laboratory Corporation of America, LabCorp); PubMed 30995915 (cited by Labcorp Genetics (formerly Invitae), Labcorp and Women's Health and Genetics/Laboratory Corporation of America, LabCorp).

NM_001283009.2(RTEL1):c.2892T>G (p.Phe964Leu)

Genes: RTEL1 (regulator of telomere elongation helicase 1; plus strand), RTEL1-TNFRSF6B (RTEL1-TNFRSF6B readthrough (NMD candidate); plus strand). Cytogenetic location: 20q13.33.
Variant type: single nucleotide variant.
Coding change: c.2892T>G on transcript NM_001283009.2 (MANE Select); coding-DNA position 2892, T replaced by G.
Protein change: p.Phe964Leu; replaces phenylalanine 964 with leucine.
Molecular consequence: missense variant. On other transcripts: non-coding transcript variant (1).
Genome position (GRCh38, 1-based): chr20:63,693,183, T>G. VCF-style: chr20-63693183-T-G. GRCh37 (hg19) VCF-style: chr20-62324536-T-G.
Other names: c.2223T>G, p.Phe741Leu (NM_001283010.1); c.2892T>G, p.Phe964Leu (NM_016434.4); c.2964T>G, p.Phe988Leu (NM_032957.5); short protein forms F964L, F988L, F741L.
Identifiers: ClinVar variation 553584 (VCV000553584.9), dbSNP rs1470145133, ClinGen allele CA409683257.
Genomic context (GRCh38, chr20:63,693,183, plus strand): 5'-AGACGCCCCTTCCTCTACAGGCTTCTACCAGTTTGTGCGGCCCCACCATAAGCAGCAGTT[T>G]GAGGAGGTCTGTATCCAGCTGACAGGACGAGGCTGTGGCTATCGGCCTGAGCACAGCATT-3'
Protein context (NP_001269938.1, residues 954-974): QFVRPHHKQQ[Phe964Leu]EEVCIQLTGR